The following is an entry in ClinVar:

NM_020184.4(CNNM4):c.1667G>A (p.Arg556His)

Gene: CNNM4 (cyclin and CBS domain divalent metal cation transport mediator 4; plus strand). Cytogenetic location: 2q11.2.
Variant type: single nucleotide variant.
Coding change: c.1667G>A on transcript NM_020184.4 (MANE Select); coding-DNA position 1667, G replaced by A.
Protein change: p.Arg556His; replaces arginine 556 with histidine.
Molecular consequence: missense variant.
Genome position (GRCh38, 1-based): chr2:96,797,633, G>A. VCF-style: chr2-96797633-G-A. GRCh37 (hg19) VCF-style: chr2-97463370-G-A.
Other names: short protein forms R556H.
Identifiers: ClinVar variation 1392066 (VCV001392066.5), dbSNP rs1421613481, ClinGen allele CA347703416.

ClinVar aggregate classification (germline): Uncertain significance (1 of 4 stars; one submission).

Allele frequency attached by ClinVar (database versions not stated): TOPMed below 0.00001; gnomAD 0.00001; gnomAD exomes below 0.00001.
gnomAD v4.1: 8 of 1,613,848 alleles (0.0005%); highest among the groups gnomAD compares: East Asian, 0.0045%; no homozygotes.

Submission:

Labcorp Genetics (formerly Invitae), Labcorp
Classification: Uncertain significance. Last evaluated: 2022-06-11. Review status: criteria provided, single submitter. Criteria: Invitae Variant Classification Sherloc (09022015). Collection method: clinical testing. Allele origin: germline.
Comment: This sequence change replaces arginine, which is basic and polar, with histidine, which is basic and polar, at codon 556 of the CNNM4 protein (p.Arg556His). The frequency data for this variant in the population databases is considered unreliable, as metrics indicate poor data quality at this position in the gnomAD database. This variant has not been reported in the literature in individuals affected with CNNM4-related conditions. Algorithms developed to predict the effect of missense changes on protein structure and function are either unavailable or do not agree on the potential impact of this missense change (SIFT: "Deleterious"; PolyPhen-2: "Possibly Damaging"; Align-GVGD: "Class C0"). In summary, the available evidence is currently insufficient to determine the role of this variant in disease. Therefore, it has been classified as a Variant of Uncertain Significance.